The following is an entry in ClinVar:

NM_002878.4(RAD51D):c.94G>A (p.Val32Ile)

Genes: RAD51D (RAD51 paralog D; minus strand), RAD51L3-RFFL (RAD51L3-RFFL readthrough; minus strand). Cytogenetic location: 17q12.
Variant type: single nucleotide variant.
Coding change: c.94G>A on transcript NM_002878.4 (MANE Select); coding-DNA position 94, G replaced by A.
Protein change: p.Val32Ile; replaces valine 32 with isoleucine.
Molecular consequence: missense variant. On other transcripts: non-coding transcript variant (2).
Genome position (GRCh38, 1-based): chr17:35,119,161, C>T on the plus strand (G>A on the coding strand, the complement: RAD51D is on the minus strand). VCF-style: chr17-35119161-C-T. GRCh37 (hg19) VCF-style: chr17-33446180-C-T.
Other names: c.94G>A, p.Val32Ile (NM_001142571.2, NM_133629.3); short protein forms V32I.
Identifiers: ClinVar variation 231357 (VCV000231357.7), dbSNP rs876659111, ClinGen allele CA10580474.

ClinVar aggregate classification (germline): Uncertain significance. Review status: criteria provided, multiple submitters, no conflicts (2 of 4 stars). 2 submissions from 2 submitters: Uncertain significance (2). Last evaluated 2024-11-04.

Conditions:
Hereditary cancer-predisposing syndrome. Also called: Neoplastic Syndromes, Hereditary; Tumor predisposition; Hereditary Cancer Syndrome; Hereditary neoplastic syndrome. Identifiers: Orphanet 140162, MedGen C0027672, MeSH D009386, MONDO:0015356.
Breast-ovarian cancer, familial, susceptibility to, 4. Identifiers: Orphanet 145, MedGen C3280345, MONDO:0013669, OMIM 614291.

Submissions (2):

Labcorp Genetics (formerly Invitae), Labcorp
Classification: Uncertain significance for Breast-ovarian cancer, familial, susceptibility to, 4. Last evaluated: 2024-11-04. Review status: criteria provided, single submitter. Criteria: Invitae Variant Classification Sherloc (09022015). Collection method: clinical testing. Allele origin: germline.
Comment: This sequence change replaces valine, which is neutral and non-polar, with isoleucine, which is neutral and non-polar, at codon 32 of the RAD51D protein (p.Val32Ile). This variant is not present in population databases (gnomAD no frequency). This variant has not been reported in the literature in individuals affected with RAD51D-related conditions. ClinVar contains an entry for this variant (Variation ID: 231357). An algorithm developed to predict the effect of missense changes on protein structure and function (PolyPhen-2) suggests that this variant is likely to be disruptive. In summary, the available evidence is currently insufficient to determine the role of this variant in disease. Therefore, it has been classified as a Variant of Uncertain Significance.

Ambry Genetics
Classification: Uncertain significance for Hereditary cancer-predisposing syndrome. Last evaluated: 2023-10-15. Review status: criteria provided, single submitter. Criteria: Ambry Variant Classification Scheme 2023. Collection method: clinical testing. Allele origin: germline.
Comment: The p.V32I variant (also known as c.94G>A), located in coding exon 2 of the RAD51D gene, results from a G to A substitution at nucleotide position 94. The valine at codon 32 is replaced by isoleucine, an amino acid with highly similar properties. This amino acid position is not well conserved in available vertebrate species. In addition, this alteration is predicted to be tolerated by in silico analysis. Since supporting evidence is limited at this time, the clinical significance of this alteration remains unclear.